The following is an entry in ClinVar:

ClinVar aggregate classification (germline): Conflicting classifications of pathogenicity. Review status: criteria provided, conflicting classifications (1 of 4 stars). 3 submissions from 3 submitters: Likely pathogenic (1); Uncertain significance (2). Last evaluated 2025-12-23.

Conditions:
Joubert syndrome. Also called: Familial aplasia of the vermis; JOUBERT-BOLTSHAUSER SYNDROME. Identifiers: Orphanet 475, MedGen C5979921, MONDO:0018772.
Meckel-Gruber syndrome. Also called: Dysencephalia splachnocystica; DYSENCEPHALIA SPLANCHNOCYSTICA; GRUBER SYNDROME. Identifiers: Orphanet 564, MedGen C0265215, MONDO:0018921.
TMEM67-related disorder. Also called: TMEM67-related condition; TMEM67-related disorders. Identifiers: MedGen CN239423.

Allele frequency attached by ClinVar (database versions not stated): gnomAD 0.00001; gnomAD exomes 0.00001 and 0.00002; ExAC 0.00002.
gnomAD v4.1: 20 of 1,613,854 alleles (0.0012%); highest among the groups gnomAD compares: Non-Finnish European, 0.0011%; no homozygotes.

Submissions (3):

Labcorp Genetics (formerly Invitae), Labcorp
Classification: Likely pathogenic for Joubert syndrome; Meckel-Gruber syndrome. Last evaluated: 2025-12-23. Review status: criteria provided, single submitter. Criteria: Invitae Variant Classification Sherloc (09022015). Collection method: clinical testing. Allele origin: germline.
Comment: This sequence change replaces arginine, which is basic and polar, with histidine, which is basic and polar, at codon 549 of the TMEM67 protein (p.Arg549His). This variant is present in population databases (rs768457119, gnomAD 0.003%). This variant has not been reported in the literature in individuals affected with TMEM67-related conditions. ClinVar contains an entry for this variant (Variation ID: 1489787). Invitae Evidence Modeling of protein sequence and biophysical properties (such as structural, functional, and spatial information, amino acid conservation, physicochemical variation, residue mobility, and thermodynamic stability) indicates that this missense variant is expected to disrupt TMEM67 protein function with a positive predictive value of 95%. This variant disrupts the p.Arg549 amino acid residue in TMEM67. Other variant(s) that disrupt this residue have been determined to be pathogenic (PMID: 21493627, 23351400, 26035863, 26191240). This suggests that this residue is clinically significant, and that variants that disrupt this residue are likely to be disease-causing. In summary, the currently available evidence indicates that the variant is pathogenic, but additional data are needed to prove that conclusively. Therefore, this variant has been classified as Likely Pathogenic.

PreventionGenetics, part of Exact Sciences
Classification: Uncertain significance for TMEM67-related condition. Last evaluated: 2025-11-17. Review status: criteria provided, single submitter. Criteria: ACMG Guidelines, 2015. Collection method: clinical testing. Allele origin: germline.
Comment: The TMEM67 c.1646G>A variant is predicted to result in the amino acid substitution p.Arg549His. To our knowledge, this variant has not been reported in the literature. Of note, other missense variants affecting the same amino acid (p.Arg549Cys; p.Arg549Pro) have been reported to be pathogenic for Meckel syndrome and Joubert syndrome (Hopp et al. 2011. PubMed ID: 21493627; Tkemaladze et al 2017. PubMed ID: 28726664). This variant is reported in 0.0035% of alleles in individuals of European (Non-Finnish) descent in gnomAD. At this time, the clinical significance of this variant is uncertain due to the absence of conclusive functional and genetic evidence.

Mayo Clinic Laboratories, Mayo Clinic
Classification: Uncertain significance. Last evaluated: 2024-03-06. Review status: criteria provided, single submitter. Criteria: ACMG Guidelines, 2015. Collection method: clinical testing. Allele origin: germline. Observed: 1 variant allele.
Comment: PP3, PM2, PM5

Literature cited by the submitters: PubMed 21493627 (cited by Labcorp Genetics (formerly Invitae), Labcorp); PubMed 23351400 (cited by Labcorp Genetics (formerly Invitae), Labcorp); PubMed 26035863 (cited by Labcorp Genetics (formerly Invitae), Labcorp); PubMed 26191240 (cited by Labcorp Genetics (formerly Invitae), Labcorp).

NM_153704.6(TMEM67):c.1646G>A (p.Arg549His)

Gene: TMEM67 (transmembrane protein 67; plus strand). Cytogenetic location: 8q22.1.
Variant type: single nucleotide variant.
Coding change: c.1646G>A on transcript NM_153704.6 (MANE Select); coding-DNA position 1646, G replaced by A.
Protein change: p.Arg549His; replaces arginine 549 with histidine.
Molecular consequence: missense variant. On other transcripts: non-coding transcript variant (1).
Genome position (GRCh38, 1-based): chr8:93,793,268, G>A. VCF-style: chr8-93793268-G-A. GRCh37 (hg19) VCF-style: chr8-94805496-G-A.
Other names: p.Arg549His; c.1403G>A, p.Arg468His (NM_001142301.1); c.1646G>A (NM_153704.5); short protein forms R468H, R549H.
Identifiers: ClinVar variation 1489787 (VCV001489787.10), dbSNP rs768457119, ClinGen allele CA4808036.